The following is an entry in ClinVar:

ClinVar aggregate classification (germline): Uncertain significance. Review status: criteria provided, multiple submitters, no conflicts (2 of 4 stars). 2 submissions from 2 submitters: Uncertain significance (2). Last evaluated 2024-02-24.

Conditions:
Inborn genetic diseases. Identifiers: MedGen C0950123, MeSH D030342.

Submissions (2):

Labcorp Genetics (formerly Invitae), Labcorp
Classification: Uncertain significance. Last evaluated: 2024-02-24. Review status: criteria provided, single submitter. Criteria: Invitae Variant Classification Sherloc (09022015). Collection method: clinical testing. Allele origin: germline.
Comment: This sequence change replaces leucine, which is neutral and non-polar, with isoleucine, which is neutral and non-polar, at codon 729 of the RBP3 protein (p.Leu729Ile). This variant is not present in population databases (gnomAD no frequency). This variant has not been reported in the literature in individuals affected with RBP3-related conditions. ClinVar contains an entry for this variant (Variation ID: 1916869). An algorithm developed to predict the effect of missense changes on protein structure and function (PolyPhen-2) suggests that this variant is likely to be tolerated. In summary, the available evidence is currently insufficient to determine the role of this variant in disease. Therefore, it has been classified as a Variant of Uncertain Significance.

Ambry Genetics
Classification: Uncertain significance for Inborn genetic diseases. Last evaluated: 2024-01-09. Review status: criteria provided, single submitter. Criteria: Ambry Variant Classification Scheme 2023. Collection method: clinical testing. Allele origin: germline.

NM_002900.3(RBP3):c.2185C>A (p.Leu729Ile)

Gene: RBP3 (retinol binding protein 3; plus strand). Cytogenetic location: 10q11.22.
Variant type: single nucleotide variant.
Coding change: c.2185C>A on transcript NM_002900.3 (MANE Select); coding-DNA position 2185, C replaced by A.
Protein change: p.Leu729Ile; replaces leucine 729 with isoleucine.
Molecular consequence: missense variant.
Genome position (GRCh38, 1-based): chr10:47,350,669, C>A. VCF-style: chr10-47350669-C-A. GRCh37 (hg19) VCF-style: chr10-48388693-G-T.
Other names: c.2185C>A (NM_002900.2); short protein forms L729I.
Identifiers: ClinVar variation 1916869 (VCV001916869.6), dbSNP rs1372129460, ClinGen allele CA376672355.